The following is an entry in ClinVar:

ClinVar aggregate classification (germline): Uncertain significance. Review status: criteria provided, multiple submitters, no conflicts (2 of 4 stars). 3 submissions from 3 submitters: Uncertain significance (2). 1 of the submissions does not count toward it. Last evaluated 2024-12-03.

Conditions:
Inborn genetic diseases. Identifiers: MedGen C0950123, MeSH D030342.
Fanconi anemia (FA). Also called: Fanconi's anemia. Identifiers: Orphanet 84, MedGen C0015625, MeSH D005199, MONDO:0019391.

Allele frequency attached by ClinVar (database versions not stated): gnomAD 0.00001; TOPMed 0.00001.
gnomAD v4.1: 9 of 1,613,718 alleles (0.00056%); highest among the groups gnomAD compares: African/African-American, 0.0027%; no homozygotes.

Submissions (3):

Ambry Genetics
Classification: Uncertain significance for Inborn genetic diseases. Last evaluated: 2024-12-03. Review status: criteria provided, single submitter. Criteria: Ambry Variant Classification Scheme 2023. Collection method: clinical testing. Allele origin: germline.
Comment: The p.I673T variant (also known as c.2018T>C), located in coding exon 23 of the FANCA gene, results from a T to C substitution at nucleotide position 2018. The isoleucine at codon 673 is replaced by threonine, an amino acid with similar properties. This amino acid position is conserved. In addition, the in silico prediction for this alteration is inconclusive. Based on the available evidence, the clinical significance of this variant remains unclear.

Labcorp Genetics (formerly Invitae), Labcorp
Classification: Uncertain significance for Fanconi anemia. Last evaluated: 2022-01-07. Review status: criteria provided, single submitter. Criteria: Invitae Variant Classification Sherloc (09022015). Collection method: clinical testing. Allele origin: germline.
Comment: This sequence change replaces isoleucine, which is neutral and non-polar, with threonine, which is neutral and polar, at codon 673 of the FANCA protein (p.Ile673Thr). This variant is not present in population databases (gnomAD no frequency). This variant has not been reported in the literature in individuals affected with FANCA-related conditions. ClinVar contains an entry for this variant (Variation ID: 1024833). Algorithms developed to predict the effect of missense changes on protein structure and function are either unavailable or do not agree on the potential impact of this missense change (SIFT: "Deleterious"; PolyPhen-2: "Benign"; Align-GVGD: "Class C0"). In summary, the available evidence is currently insufficient to determine the role of this variant in disease. Therefore, it has been classified as a Variant of Uncertain Significance.

Natera, Inc.
Classification: Uncertain significance for Fanconi anemia. Last evaluated: 2021-01-13. Review status: no assertion criteria provided. Collection method: clinical testing. Allele origin: germline. Not counted in ClinVar's aggregate classification.

NM_000135.4(FANCA):c.2018T>C (p.Ile673Thr)

Gene: FANCA (FA complementation group A; minus strand). Cytogenetic location: 16q24.3.
Variant type: single nucleotide variant.
Coding change: c.2018T>C on transcript NM_000135.4 (MANE Select); coding-DNA position 2018, T replaced by C.
Protein change: p.Ile673Thr; replaces isoleucine 673 with threonine.
Molecular consequence: missense variant.
Genome position (GRCh38, 1-based): chr16:89,771,811, A>G on the plus strand (T>C on the coding strand, the complement: FANCA is on the minus strand). VCF-style: chr16-89771811-A-G. GRCh37 (hg19) VCF-style: chr16-89838219-A-G.
Other names: c.2018T>C, p.Ile673Thr (NM_001286167.3); c.2018T>C (NM_000135.2); short protein forms I673T.
Identifiers: ClinVar variation 1024833 (VCV001024833.6), dbSNP rs1319264119, ClinGen allele CA397448758.
Genomic context (GRCh38, chr16:89,771,811, plus strand): 5'-TCCTCATTGTGGCCCAGGACAGCCCTCAGTCTTTCAGAAATCACTGCCACCTGTGCCGAT[A>G]TAACTGCGAAGGAAGAAACTAGTTAGGGATGACAAGAACCCCGAAAGGAGGGATACAGCT-3'
Protein context (NP_000126.2, residues 663-683): SMTDPSQRDV[Ile673Thr]SAQVAVISER